The following is an entry in ClinVar:

ClinVar aggregate classification (germline): Uncertain significance. Review status: criteria provided, multiple submitters, no conflicts (2 of 4 stars). 4 submissions from 4 submitters: Uncertain significance (4). Last evaluated 2026-01-23.

Conditions:
Severe combined immunodeficiency due to DCLRE1C deficiency (RS-SCID). Also called: SCID, AUTOSOMAL RECESSIVE, T CELL-NEGATIVE, B CELL-NEGATIVE, NK CELL-POSITIVE, WITH SENSITIVITY TO IONIZING RADIATION. Identifiers: Orphanet 275, MedGen C1865371, MONDO:0011225, OMIM 602450.
Inborn genetic diseases. Identifiers: MedGen C0950123, MeSH D030342.

Allele frequency attached by ClinVar (database versions not stated): ExAC 0.00001; TOPMed 0.00002; gnomAD 0.00003; ESP Exome Variant Server 0.00008.

Submissions (4):

Women's Health and Genetics/Laboratory Corporation of America, LabCorp
Classification: Uncertain significance. Last evaluated: 2026-01-23. Review status: criteria provided, single submitter. Criteria: LabCorp Variant Classification Summary - May 2015. Collection method: clinical testing. Allele origin: germline.

Labcorp Genetics (formerly Invitae), Labcorp
Classification: Uncertain significance for Athabaskan severe combined immunodeficiency. Last evaluated: 2025-06-23. Review status: criteria provided, single submitter. Criteria: Invitae Variant Classification Sherloc (09022015). Collection method: clinical testing. Allele origin: germline.
Comment: This sequence change replaces leucine, which is neutral and non-polar, with isoleucine, which is neutral and non-polar, at codon 111 of the DCLRE1C protein (p.Leu111Ile). This variant is present in population databases (rs377443609, gnomAD 0.002%). This variant has not been reported in the literature in individuals affected with DCLRE1C-related conditions. ClinVar contains an entry for this variant (Variation ID: 2139106). Invitae Evidence Modeling of protein sequence and biophysical properties (such as structural, functional, and spatial information, amino acid conservation, physicochemical variation, residue mobility, and thermodynamic stability) indicates that this missense variant is not expected to disrupt DCLRE1C protein function with a negative predictive value of 80%. In summary, the available evidence is currently insufficient to determine the role of this variant in disease. Therefore, it has been classified as a Variant of Uncertain Significance.

Ambry Genetics
Classification: Uncertain significance for Inborn genetic diseases. Last evaluated: 2025-02-24. Review status: criteria provided, single submitter. Criteria: Ambry Variant Classification Scheme 2023. Collection method: clinical testing. Allele origin: germline.

Mayo Clinic Laboratories, Mayo Clinic
Classification: Uncertain significance. Last evaluated: 2023-12-14. Review status: criteria provided, single submitter. Criteria: ACMG Guidelines, 2015. Collection method: clinical testing. Allele origin: germline. Observed: 1 variant allele.
Comment: PM2

NM_001033855.3(DCLRE1C):c.331T>A (p.Leu111Ile)

Gene: DCLRE1C (DNA cross-link repair 1C; minus strand). Cytogenetic location: 10p13.
Variant type: single nucleotide variant.
Coding change: c.331T>A on transcript NM_001033855.3 (MANE Select); coding-DNA position 331, T replaced by A.
Protein change: p.Leu111Ile; replaces leucine 111 with isoleucine.
Molecular consequence: missense variant. On other transcripts: 5 prime UTR variant (5), non-coding transcript variant (3), intron variant (4).
Genome position (GRCh38, 1-based): chr10:14,936,569, A>T on the plus strand (T>A on the coding strand, the complement: DCLRE1C is on the minus strand). VCF-style: chr10-14936569-A-T. GRCh37 (hg19) VCF-style: chr10-14978568-A-T.
Other names: p.Leu111Ile; c.-30T>A (NM_001033857.3, NM_001033858.3, NM_001289077.2 and 2 more transcripts); c.331T>A, p.Leu111Ile (NM_001350965.2); c.18-1005T>A (NM_001350966.2, NM_001289078.2, NM_001289076.2 and 1 more transcripts); short protein forms L111I.
Identifiers: ClinVar variation 2139106 (VCV002139106.5), dbSNP rs377443609, ClinGen allele CA5416897.
Genomic context (GRCh38, chr10:14,936,569, plus strand): 5'-TAAAATGACAAAATAAATGACCCCCTTACATAACTGATCCCGGACAGTGACCAGCTGGTA[A>T]GAGAGTCACAACAATCTCTTCCTTCTAAAAAGAAAATAAAGAAAAAATAGTAATGGAAAG-3'
Protein context (NP_001029027.1, residues 101-121): GEKEEIVVTL[Leu111Ile]PAGHCPGSVM